The following is an entry in ClinVar:

ClinVar aggregate classification (germline): Uncertain significance (1 of 4 stars; one submission).

Submission:

Labcorp Genetics (formerly Invitae), Labcorp
Classification: Uncertain significance. Last evaluated: 2025-05-05. Review status: criteria provided, single submitter. Criteria: Invitae Variant Classification Sherloc (09022015). Collection method: clinical testing. Allele origin: germline.
Comment: This sequence change replaces asparagine, which is neutral and polar, with lysine, which is basic and polar, at codon 1103 of the LRPPRC protein (p.Asn1103Lys). This variant is not present in population databases (gnomAD no frequency). This variant has not been reported in the literature in individuals affected with LRPPRC-related conditions. ClinVar contains an entry for this variant (Variation ID: 2058951). Invitae Evidence Modeling of protein sequence and biophysical properties (such as structural, functional, and spatial information, amino acid conservation, physicochemical variation, residue mobility, and thermodynamic stability) indicates that this missense variant is expected to disrupt LRPPRC protein function with a positive predictive value of 80%. In summary, the available evidence is currently insufficient to determine the role of this variant in disease. Therefore, it has been classified as a Variant of Uncertain Significance.

NM_133259.4(LRPPRC):c.3309C>G (p.Asn1103Lys)

Gene: LRPPRC (leucine rich pentatricopeptide repeat containing; minus strand). Cytogenetic location: 2p21.
Variant type: single nucleotide variant.
Coding change: c.3309C>G on transcript NM_133259.4 (MANE Select); coding-DNA position 3309, C replaced by G.
Protein change: p.Asn1103Lys; replaces asparagine 1103 with lysine.
Molecular consequence: missense variant.
Genome position (GRCh38, 1-based): chr2:43,905,747, G>C on the plus strand (C>G on the coding strand, the complement: LRPPRC is on the minus strand). VCF-style: chr2-43905747-G-C. GRCh37 (hg19) VCF-style: chr2-44132886-G-C.
Other names: short protein forms N1103K.
Identifiers: ClinVar variation 2058951 (VCV002058951.4), dbSNP rs1381842046, ClinGen allele CA346665059.